The following is an entry in ClinVar:

ClinVar aggregate classification (germline): Uncertain significance. Review status: criteria provided, multiple submitters, no conflicts (2 of 4 stars). 2 submissions from 2 submitters: Uncertain significance (2). Last evaluated 2025-09-28.

Conditions:
Inborn genetic diseases. Identifiers: MedGen C0950123, MeSH D030342.
ITGB4-related disorder. Also called: ITGB4-related condition.

Allele frequency attached by ClinVar (database versions not stated): gnomAD 0.00001; ExAC 0.00004; gnomAD exomes 0.00002; TOPMed 0.00002.
gnomAD v4.1: 31 of 1,593,652 alleles (0.0019%); highest among the groups gnomAD compares: Admixed American, 0.0053%; no homozygotes.

Submissions (2):

Ambry Genetics
Classification: Uncertain significance for Inborn genetic diseases. Last evaluated: 2025-09-28. Review status: criteria provided, single submitter. Criteria: Ambry Variant Classification Scheme 2023. Collection method: clinical testing. Allele origin: germline.

PreventionGenetics, part of Exact Sciences
Classification: Uncertain significance for ITGB4-related condition. Last evaluated: 2023-02-16. Review status: criteria provided, single submitter. Criteria: ACMG Guidelines, 2015. Collection method: clinical testing. Allele origin: germline.
Comment: The ITGB4 c.3098C>T variant is predicted to result in the amino acid substitution p.Ala1033Val. To our knowledge, this variant has not been reported in the literature. This variant is reported in 0.0068% of alleles in individuals of Latino descent in gnomAD. At this time, the clinical significance of this variant is uncertain due to the absence of conclusive functional and genetic evidence.

NM_000213.5(ITGB4):c.3098C>T (p.Ala1033Val)

Gene: ITGB4 (integrin subunit beta 4; plus strand). Cytogenetic location: 17q25.1.
Variant type: single nucleotide variant.
Coding change: c.3098C>T on transcript NM_000213.5 (MANE Select); coding-DNA position 3098, C replaced by T.
Protein change: p.Ala1033Val; replaces alanine 1033 with valine.
Molecular consequence: missense variant.
Genome position (GRCh38, 1-based): chr17:75,743,848, C>T. VCF-style: chr17-75743848-C-T. GRCh37 (hg19) VCF-style: chr17-73739929-C-T.
Other names: c.3098C>T, p.Ala1033Val (NM_001005619.2, NM_001005731.3, NM_001321123.2); c.3098C>T (NM_001005731.1); short protein forms A1033V.
Identifiers: ClinVar variation 2634660 (VCV002634660.2), dbSNP rs766918727, ClinGen allele CA8769690.
Genomic context (GRCh38, chr17:75,743,848, plus strand): 5'-TCCGGCGTGTCCTGGACGGCGGGAAGTCCCAGGTCTCCTACCGCACACAGGATGGCACCG[C>T]GCAGGGCAACCGGGTGAGGCTGCGCCACAGGGTCGAGGGTGCAGCCCGGGGGGCTGCGTG-3'
Protein context (NP_000204.3, residues 1023-1043): QVSYRTQDGT[Ala1033Val]QGNRDYIPVE